The following is an entry in ClinVar:

ClinVar aggregate classification (germline): Uncertain significance (1 of 4 stars; one submission).

Conditions:
Cardiovascular phenotype. Identifiers: MedGen CN230736.

Submission:

Ambry Genetics
Classification: Uncertain significance for Cardiovascular phenotype. Last evaluated: 2022-03-12. Review status: criteria provided, single submitter. Criteria: Ambry Variant Classification Scheme 2023. Collection method: clinical testing. Allele origin: germline.
Comment: The p.W2969G variant (also known as c.8905T>G), located in coding exon 2 of the ZNF469 gene, results from a T to G substitution at nucleotide position 8905. The tryptophan at codon 2969 is replaced by glycine, an amino acid with highly dissimilar properties. This amino acid position is conserved. In addition, this alteration is predicted to be tolerated by in silico analysis. Since supporting evidence is limited at this time, the clinical significance of this alteration remains unclear.

NM_001367624.2(ZNF469):c.8989T>G (p.Trp2997Gly)

Gene: ZNF469 (zinc finger protein 469; plus strand). Cytogenetic location: 16q24.2.
Variant type: single nucleotide variant.
Coding change: c.8989T>G on transcript NM_001367624.2 (MANE Select); coding-DNA position 8989, T replaced by G.
Protein change: p.Trp2997Gly; replaces tryptophan 2997 with glycine.
Molecular consequence: missense variant.
Genome position (GRCh38, 1-based): chr16:88,436,459, T>G. VCF-style: chr16-88436459-T-G. GRCh37 (hg19) VCF-style: chr16-88502867-T-G.
Other names: NM_001127464.1:c.8905T>G; short protein forms W2997G.
Identifiers: ClinVar variation 1765065 (VCV001765065.2), dbSNP rs2507601629, ClinGen allele CA397120060.